The following is an entry in ClinVar:

ClinVar aggregate classification (germline): Likely benign (1 of 4 stars; one submission).

Allele frequency attached by ClinVar (database versions not stated): TOPMed 0.00001; gnomAD exomes 0.00004; ExAC 0.00014.
gnomAD v4.1: 63 of 1,563,838 alleles (0.004%); highest among the groups gnomAD compares: South Asian, 0.051%; 1 homozygote.

Submission:

CeGaT Center for Human Genetics Tuebingen
Classification: Likely benign. Last evaluated: 2025-06-01. Review status: criteria provided, single submitter. Criteria: CeGaT Center For Human Genetics Tuebingen Variant Classification Criteria Version 2. Collection method: clinical testing. Allele origin: germline. Affected: yes. Observed: 2 variant alleles.
Comment: SIGLEC15: BP4, BP7

NM_213602.3(SIGLEC15):c.606G>A (p.Pro202=)

Genes: SIGLEC15 (sialic acid binding Ig like lectin 15; plus strand), EPG5 (ectopic P-granules 5 autophagy tethering factor; minus strand). Cytogenetic location: 18q12.3.
Variant type: single nucleotide variant.
Coding change: c.606G>A on transcript NM_213602.3 (MANE Select); coding-DNA position 606, G replaced by A.
Protein change: p.Pro202=; no amino-acid change (proline 202 retained).
Molecular consequence: synonymous variant. On other transcripts: intron variant (1).
Genome position (GRCh38, 1-based): chr18:45,838,827, G>A. VCF-style: chr18-45838827-G-A. GRCh37 (hg19) VCF-style: chr18-43418792-G-A.
Other names: c.7557+16746C>T (NM_001410858.1).
Identifiers: ClinVar variation 1879394 (VCV001879394.26), dbSNP rs780451018, ClinGen allele CA8947779.
Genomic context (GRCh38, chr18:45,838,827, plus strand): 5'-CTTCCGCGCGCTCTGCACTGCCGAAGGGGAGCCGCCGCCCGCCCTCGCCTGGTCCGGCCC[G>A]GCCCTGGGCAACAGCTTGGCAGCCGTGCGGAGCCCGCGTGAGGGTCACGGCCACCTAGTG-3'
Protein context (NP_998767.1, residues 192-212): EPPPALAWSG[Pro202=]ALGNSLAAVR